The following is an entry in ClinVar:

ClinVar aggregate classification (germline): Likely pathogenic (1 of 4 stars; one submission).

Conditions:
Familial hypokalemia-hypomagnesemia (GTLMNS). Also called: HYPOMAGNESEMIA-HYPOKALEMIA, PRIMARY RENOTUBULAR, WITH HYPOCALCIURIA; POTASSIUM AND MAGNESIUM DEPLETION; gitelman syndrome. Identifiers: Orphanet 358, MedGen C0268450, MONDO:0009904, OMIM 263800.

gnomAD v4.1: 1 of 1,610,174 alleles (0.000062%); no homozygotes.

Submission:

Neuberg Centre For Genomic Medicine, NCGM
Classification: Likely pathogenic for Familial hypokalemia-hypomagnesemia. Review status: criteria provided, single submitter. Criteria: ACMG Guidelines, 2015. Collection method: clinical testing. Allele origin: germline. Inheritance: Autosomal recessive inheritance. Affected: yes.
Comment: The splice donor variant c.1443+1G>A in SLC12A3 (NM_000339.3) has not been reported previously as a pathogenic variant nor as a benign variant, to our knowledge. The c.1443+1G>A variant is novel (not in any individuals) in gnomAD Exomes and is novel (not in any individuals) in 1000 Genomes. This variant mutates a splice-donor sequence, potentially resulting in the retention of large segments of intronic DNA by the mRNA and nonfunctional proteins. The c.1443+1G>A variant is a loss of function variant in the gene SLC12A3. For these reasons, this variant has been classified as Likely Pathogenic.

NM_001126108.2(SLC12A3):c.1443+1G>A

Gene: SLC12A3 (solute carrier family 12 member 3; plus strand). Cytogenetic location: 16q13.
Variant type: single nucleotide variant.
Coding change: c.1443+1G>A on transcript NM_001126108.2 (MANE Select); the canonical splice donor site of the intron after coding-DNA position 1443, G replaced by A.
Molecular consequence: splice donor variant.
Genome position (GRCh38, 1-based): chr16:56,879,650, G>A. VCF-style: chr16-56879650-G-A. GRCh37 (hg19) VCF-style: chr16-56913562-G-A.
Other names: c.1443+1G>A (NM_000339.3); c.1440+1G>A (NM_001126107.2, NM_001410896.1).
Identifiers: ClinVar variation 2627492 (VCV002627492.1), dbSNP rs2055211978, ClinGen allele CA395987886.